The following is an entry in ClinVar:

ClinVar aggregate classification (germline): Uncertain significance. Review status: criteria provided, multiple submitters, no conflicts (2 of 4 stars). 2 submissions from 2 submitters: Uncertain significance (2). Last evaluated 2026-01-20.

Conditions:
Inborn genetic diseases. Identifiers: MedGen C0950123, MeSH D030342.

Allele frequency attached by ClinVar (database versions not stated): gnomAD exomes below 0.00001.
gnomAD v4.1: 2 of 1,614,176 alleles (0.00012%); highest among the groups gnomAD compares: African/African-American, 0.0027%; no homozygotes.

Submissions (2):

Labcorp Genetics (formerly Invitae), Labcorp
Classification: Uncertain significance. Last evaluated: 2026-01-20. Review status: criteria provided, single submitter. Criteria: Invitae Variant Classification Sherloc (09022015). Collection method: clinical testing. Allele origin: germline.
Comment: This sequence change replaces aspartic acid, which is acidic and polar, with tyrosine, which is neutral and polar, at codon 1859 of the NBAS protein (p.Asp1859Tyr). This variant is not present in population databases (gnomAD no frequency). This variant has not been reported in the literature in individuals affected with NBAS-related conditions. ClinVar contains an entry for this variant (Variation ID: 1498009). Invitae Evidence Modeling of protein sequence and biophysical properties (such as structural, functional, and spatial information, amino acid conservation, physicochemical variation, residue mobility, and thermodynamic stability) has been performed for this missense variant. However, the output from this modeling did not meet the statistical confidence thresholds required to predict the impact of this variant on NBAS protein function. In summary, the available evidence is currently insufficient to determine the role of this variant in disease. Therefore, it has been classified as a Variant of Uncertain Significance.

Ambry Genetics
Classification: Uncertain significance for Inborn genetic diseases. Last evaluated: 2024-09-11. Review status: criteria provided, single submitter. Criteria: Ambry Variant Classification Scheme 2023. Collection method: clinical testing. Allele origin: germline.

NM_015909.4(NBAS):c.5575G>T (p.Asp1859Tyr)

Gene: NBAS (NBAS subunit of NRZ tethering complex; minus strand). Cytogenetic location: 2p24.3.
Variant type: single nucleotide variant.
Coding change: c.5575G>T on transcript NM_015909.4 (MANE Select); coding-DNA position 5575, G replaced by T.
Protein change: p.Asp1859Tyr; replaces aspartic acid 1859 with tyrosine.
Molecular consequence: missense variant. On other transcripts: non-coding transcript variant (1).
Genome position (GRCh38, 1-based): chr2:15,275,633, C>A on the plus strand (G>T on the coding strand, the complement: NBAS is on the minus strand). VCF-style: chr2-15275633-C-A. GRCh37 (hg19) VCF-style: chr2-15415757-C-A.
Other names: c.5575G>T (NM_015909.2); short protein forms D1859Y.
Identifiers: ClinVar variation 1498009 (VCV001498009.5), dbSNP rs1669540108, ClinGen allele CA345882662.